The following is an entry in ClinVar:

NM_001365999.1(SZT2):c.1364G>A (p.Arg455Gln)

Gene: SZT2 (SZT2 subunit of KICSTOR complex; plus strand). Cytogenetic location: 1p34.2.
Variant type: single nucleotide variant.
Coding change: c.1364G>A on transcript NM_001365999.1 (MANE Select); coding-DNA position 1364, G replaced by A.
Protein change: p.Arg455Gln; replaces arginine 455 with glutamine.
Molecular consequence: missense variant.
Genome position (GRCh38, 1-based): chr1:43,420,851, G>A. VCF-style: chr1-43420851-G-A. GRCh37 (hg19) VCF-style: chr1-43886522-G-A.
Other names: c.1364G>A, p.Arg455Gln (NM_015284.4); short protein forms R455Q.
Identifiers: ClinVar variation 1460633 (VCV001460633.5), dbSNP rs1260674471, ClinGen allele CA340007428.

ClinVar aggregate classification (germline): Uncertain significance (1 of 4 stars; one submission).

Allele frequency attached by ClinVar (database versions not stated): gnomAD exomes 0.00002.
gnomAD v4.1: 7 of 1,598,438 alleles (0.00044%); highest among the groups gnomAD compares: Admixed American, 0.0017%; no homozygotes.

Submission:

Labcorp Genetics (formerly Invitae), Labcorp
Classification: Uncertain significance. Last evaluated: 2021-08-27. Review status: criteria provided, single submitter. Criteria: Invitae Variant Classification Sherloc (09022015). Collection method: clinical testing. Allele origin: germline.
Comment: This sequence change replaces arginine with glutamine at codon 455 of the SZT2 protein (p.Arg455Gln). The arginine residue is weakly conserved and there is a small physicochemical difference between arginine and glutamine. This variant is not present in population databases (ExAC no frequency). This variant has not been reported in the literature in individuals affected with SZT2-related conditions. Algorithms developed to predict the effect of missense changes on protein structure and function (SIFT, PolyPhen-2, Align-GVGD) all suggest that this variant is likely to be tolerated. In summary, the available evidence is currently insufficient to determine the role of this variant in disease. Therefore, it has been classified as a Variant of Uncertain Significance.